The following is an entry in ClinVar:

ClinVar aggregate classification (germline): Likely benign. Review status: criteria provided, multiple submitters, no conflicts (2 of 4 stars). 3 submissions from 3 submitters: Likely benign (3). Last evaluated 2025-07-27.

Conditions:
Hereditary cancer-predisposing syndrome. Also called: Hereditary neoplastic syndrome; Tumor predisposition; Hereditary Cancer Syndrome; Neoplastic Syndromes, Hereditary. Identifiers: Orphanet 140162, MedGen C0027672, MeSH D009386, MONDO:0015356.
Tuberous sclerosis 2 (TSC2). Identifiers: Orphanet 805, MedGen C1860707, MONDO:0013199, OMIM 613254.

Allele frequency attached by ClinVar (database versions not stated): gnomAD exomes below 0.00001; TOPMed below 0.00001; gnomAD 0.00001.
gnomAD v4.1: 2 of 1,581,730 alleles (0.00013%); highest among the groups gnomAD compares: Non-Finnish European, 0.00017%; no homozygotes.

Submissions (3):

Labcorp Genetics (formerly Invitae), Labcorp
Classification: Likely benign for Tuberous sclerosis 2. Last evaluated: 2025-07-27. Review status: criteria provided, single submitter. Criteria: Invitae Variant Classification Sherloc (09022015). Collection method: clinical testing. Allele origin: germline.

Myriad Genetics, Inc.
Classification: Likely benign for Tuberous sclerosis 2. Last evaluated: 2025-05-29. Review status: criteria provided, single submitter. Criteria: Myriad Autosomal Dominant, Autosomal Recessive and X-Linked Classification Criteria (2023). Collection method: clinical testing. Allele origin: unknown.
Comment: This variant is considered likely benign. This variant is intronic and is not expected to impact mRNA splicing.

Ambry Genetics
Classification: Likely benign for Hereditary cancer-predisposing syndrome. Last evaluated: 2023-08-30. Review status: criteria provided, single submitter. Criteria: Ambry Variant Classification Scheme 2023. Collection method: clinical testing. Allele origin: germline.

NM_000548.5(TSC2):c.3397+3G>A

Gene: TSC2 (TSC complex subunit 2; plus strand). Cytogenetic location: 16p13.3.
Variant type: single nucleotide variant.
Coding change: c.3397+3G>A on transcript NM_000548.5 (MANE Select); 3 bases into the intron after coding-DNA position 3397, G replaced by A.
Molecular consequence: intron variant.
Genome position (GRCh38, 1-based): chr16:2,079,672, G>A. VCF-style: chr16-2079672-G-A. GRCh37 (hg19) VCF-style: chr16-2129673-G-A.
Other names: c.3397+3G>A (NM_001114382.3); c.3268+3G>A (NM_021055.3, NM_001370405.1, NM_001363528.2); c.3265+3G>A (NM_001370404.1, NM_001077183.3); c.3157+3G>A (NM_001318827.2); c.2665+3G>A (NM_001318831.2); c.3121+3G>A (NM_001318829.2); c.3298+3G>A (NM_001318832.2).
Identifiers: ClinVar variation 1428196 (VCV001428196.9), dbSNP rs1481437660, ClinGen allele CA718911210.